The following is an entry in ClinVar:

ClinVar aggregate classification (germline): Benign. Review status: criteria provided, multiple submitters, no conflicts (2 of 4 stars). 2 submissions from 2 submitters: Benign (2). Last evaluated 2018-06-16.

Allele frequency attached by ClinVar (database versions not stated): gnomAD 0.02512; ESP Exome Variant Server 0.02650; 1000 Genomes Project 0.02736; TOPMed 0.02786; 1000 Genomes Project 30x 0.03045.
gnomAD v4.1: 7,092 of 1,528,608 alleles (0.46%); highest among the groups gnomAD compares: African/African-American, 8.4%; 269 homozygotes.

Submissions (2):

GeneDx
Classification: Benign. Last evaluated: 2018-06-16. Review status: criteria provided, single submitter. Criteria: GeneDx Variant Classification (06012015). Collection method: clinical testing. Allele origin: germline. Affected: yes.
Comment: This variant is considered likely benign or benign based on one or more of the following criteria: it is a conservative change, it occurs at a poorly conserved position in the protein, it is predicted to be benign by multiple in silico algorithms, and/or has population frequency not consistent with disease.

Breakthrough Genomics
Classification: Benign. Review status: criteria provided, single submitter. Criteria: ACMG Guidelines, 2015. Collection method: not provided. Allele origin: germline. Inheritance: Autosomal recessive inheritance. Affected: yes.

NM_001378454.1(ALMS1):c.12362+57C>T

Gene: ALMS1 (ALMS1 centrosome and basal body associated protein; plus strand). Cytogenetic location: 2p13.1.
Variant type: single nucleotide variant.
Coding change: c.12362+57C>T on transcript NM_001378454.1 (MANE Select); 57 bases into the intron after coding-DNA position 12362, C replaced by T.
Molecular consequence: intron variant.
Genome position (GRCh38, 1-based): chr2:73,603,361, C>T. VCF-style: chr2-73603361-C-T. GRCh37 (hg19) VCF-style: chr2-73830488-C-T.
Other names: c.12362+57C>T (NM_015120.4); c.12365+57C>T (NM_015120.4).
Identifiers: ClinVar variation 677834 (VCV000677834.2), dbSNP rs116327057, ClinGen allele CA15169947.